The following is an entry in ClinVar:

NM_006019.4(TCIRG1):c.223G>T (p.Ala75Ser)

Gene: TCIRG1 (T cell immune regulator 1, ATPase H+ transporting V0 subunit a3; plus strand). Cytogenetic location: 11q13.2.
Variant type: single nucleotide variant.
Coding change: c.223G>T on transcript NM_006019.4 (MANE Select); coding-DNA position 223, G replaced by T.
Protein change: p.Ala75Ser; replaces alanine 75 with serine.
Molecular consequence: missense variant. On other transcripts: 5 prime UTR variant (1).
Genome position (GRCh38, 1-based): chr11:68,042,669, G>T. VCF-style: chr11-68042669-G-T. GRCh37 (hg19) VCF-style: chr11-67810136-G-T.
Other names: c.-1027G>T (NM_001351059.2); short protein forms A75S.
Identifiers: ClinVar variation 1447490 (VCV001447490.5), dbSNP rs1024753171, ClinGen allele CA381575242.

ClinVar aggregate classification (germline): Uncertain significance (1 of 4 stars; one submission).

Allele frequency attached by ClinVar (database versions not stated): gnomAD exomes below 0.00001 and 0.00001; TOPMed below 0.00001.
gnomAD v4.1: 1 of 1,547,188 alleles (0.000065%); highest among the groups gnomAD compares: Admixed American, 0.002%; no homozygotes.

Submission:

Labcorp Genetics (formerly Invitae), Labcorp
Classification: Uncertain significance. Last evaluated: 2021-09-01. Review status: criteria provided, single submitter. Criteria: Invitae Variant Classification Sherloc (09022015). Collection method: clinical testing. Allele origin: germline.
Comment: This sequence change replaces alanine with serine at codon 75 of the TCIRG1 protein (p.Ala75Ser). The alanine residue is weakly conserved and there is a moderate physicochemical difference between alanine and serine. The frequency data for this variant in the population databases is considered unreliable, as metrics indicate insufficient coverage at this position in the ExAC database. This variant has not been reported in the literature in individuals affected with TCIRG1-related conditions. Algorithms developed to predict the effect of missense changes on protein structure and function (SIFT, PolyPhen-2, Align-GVGD) all suggest that this variant is likely to be tolerated. In summary, the available evidence is currently insufficient to determine the role of this variant in disease. Therefore, it has been classified as a Variant of Uncertain Significance.